The following is an entry in ClinVar:

ClinVar aggregate classification (germline): Uncertain significance (1 of 4 stars; one submission).

Allele frequency attached by ClinVar (database versions not stated): gnomAD exomes below 0.00001; ExAC 0.00001; gnomAD 0.00001; TOPMed 0.00004.
gnomAD v4.1: 7 of 1,614,046 alleles (0.00043%); highest among the groups gnomAD compares: Admixed American, 0.0033%; no homozygotes.

Submission:

Labcorp Genetics (formerly Invitae), Labcorp
Classification: Uncertain significance. Last evaluated: 2024-12-02. Review status: criteria provided, single submitter. Criteria: Invitae Variant Classification Sherloc (09022015). Collection method: clinical testing. Allele origin: germline.
Comment: This sequence change creates a premature translational stop signal (p.Glu470*) in the KANK4 gene. It is expected to result in an absent or disrupted protein product. However, the current clinical and genetic evidence is not sufficient to establish whether loss-of-function variants in KANK4 cause disease. This variant is present in population databases (rs774660169, gnomAD 0.006%). This variant has not been reported in the literature in individuals affected with KANK4-related conditions. ClinVar contains an entry for this variant (Variation ID: 2413698). In summary, the available evidence is currently insufficient to determine the role of this variant in disease. Therefore, it has been classified as a Variant of Uncertain Significance.

NM_181712.5(KANK4):c.1408G>T (p.Glu470Ter)

Gene: KANK4 (KN motif and ankyrin repeat domains 4; minus strand). Cytogenetic location: 1p31.3.
Variant type: single nucleotide variant.
Coding change: c.1408G>T on transcript NM_181712.5 (MANE Select); coding-DNA position 1408, G replaced by T.
Protein change: p.Glu470Ter; replaces glutamic acid 470 with a stop codon.
Molecular consequence: nonsense. On other transcripts: intron variant (1).
Genome position (GRCh38, 1-based): chr1:62,273,696, C>A on the plus strand (G>T on the coding strand, the complement: KANK4 is on the minus strand). VCF-style: chr1-62273696-C-A. GRCh37 (hg19) VCF-style: chr1-62739368-C-A.
Other names: c.17-2107G>T (NM_001320269.2); short protein forms E470*.
Identifiers: ClinVar variation 2413698 (VCV002413698.6), dbSNP rs774660169, ClinGen allele CA884378.